The following is an entry in ClinVar:

NM_024649.5(BBS1):c.1303G>A (p.Val435Met)

Genes: BBS1 (Bardet-Biedl syndrome 1; plus strand), ZDHHC24 (zDHHC palmitoyltransferase 24; minus strand). Cytogenetic location: 11q13.2.
Variant type: single nucleotide variant.
Coding change: c.1303G>A on transcript NM_024649.5 (MANE Select); coding-DNA position 1303, G replaced by A.
Protein change: p.Val435Met; replaces valine 435 with methionine.
Molecular consequence: missense variant. On other transcripts: intron variant (1).
Genome position (GRCh38, 1-based): chr11:66,526,771, G>A. VCF-style: chr11-66526771-G-A. GRCh37 (hg19) VCF-style: chr11-66294242-G-A.
Other names: c.*21+165C>T (NM_001348571.2); short protein forms V435M.
Identifiers: ClinVar variation 1390480 (VCV001390480.9), dbSNP rs1181760871, ClinGen allele CA381422856.

ClinVar aggregate classification (germline): Uncertain significance. Review status: criteria provided, multiple submitters, no conflicts (2 of 4 stars). 3 submissions from 3 submitters: Uncertain significance (3). Last evaluated 2025-05-21.

Conditions:
BBS1-related disorder. Also called: BBS1-related condition.
Bardet-Biedl syndrome (BBS). Identifiers: Orphanet 110, MedGen C0752166, MONDO:0015229.

Allele frequency attached by ClinVar (database versions not stated): gnomAD exomes 0.00001 and below 0.00001; TOPMed 0.00001.
gnomAD v4.1: 7 of 1,614,244 alleles (0.00043%); highest among the groups gnomAD compares: African/African-American, 0.0027%; no homozygotes.

Submissions (3):

PreventionGenetics, part of Exact Sciences
Classification: Uncertain significance for BBS1-related condition. Last evaluated: 2025-05-21. Review status: criteria provided, single submitter. Criteria: ACMG Guidelines, 2015. Collection method: clinical testing. Allele origin: germline.
Comment: The BBS1 c.1303G>A variant is predicted to result in the amino acid substitution p.Val435Met. To our knowledge, this variant has not been reported in the literature. This variant is reported in 0.0062% of alleles in individuals of African descent in gnomAD. At this time, the clinical significance of this variant is uncertain due to the absence of conclusive functional and genetic evidence.

Labcorp Genetics (formerly Invitae), Labcorp
Classification: Uncertain significance for Bardet-Biedl syndrome. Last evaluated: 2023-10-27. Review status: criteria provided, single submitter. Criteria: Invitae Variant Classification Sherloc (09022015). Collection method: clinical testing. Allele origin: germline.
Comment: This sequence change replaces valine, which is neutral and non-polar, with methionine, which is neutral and non-polar, at codon 435 of the BBS1 protein (p.Val435Met). This variant is present in population databases (no rsID available, gnomAD 0.007%). This variant has not been reported in the literature in individuals affected with BBS1-related conditions. ClinVar contains an entry for this variant (Variation ID: 1390480). Advanced modeling of protein sequence and biophysical properties (such as structural, functional, and spatial information, amino acid conservation, physicochemical variation, residue mobility, and thermodynamic stability) performed at Invitae indicates that this missense variant is not expected to disrupt BBS1 protein function with a negative predictive value of 80%. In summary, the available evidence is currently insufficient to determine the role of this variant in disease. Therefore, it has been classified as a Variant of Uncertain Significance.

Blueprint Genetics
Classification: Uncertain significance. Last evaluated: 2023-09-19. Review status: criteria provided, single submitter. Criteria: ACMG Guidelines, 2015. Collection method: clinical testing. Allele origin: germline.